The following is an entry in ClinVar:

NM_001127178.3(PIGG):c.1873G>A (p.Gly625Arg)

Gene: PIGG (phosphatidylinositol glycan anchor biosynthesis class G (EMM blood group); plus strand). Cytogenetic location: 4p16.3.
Variant type: single nucleotide variant.
Coding change: c.1873G>A on transcript NM_001127178.3 (MANE Select); coding-DNA position 1873, G replaced by A.
Protein change: p.Gly625Arg; replaces glycine 625 with arginine.
Molecular consequence: missense variant. On other transcripts: non-coding transcript variant (6).
Genome position (GRCh38, 1-based): chr4:523,717, G>A. VCF-style: chr4-523717-G-A. GRCh37 (hg19) VCF-style: chr4-517506-G-A.
Other names: c.340G>A, p.Gly114Arg (NM_001345990.2, NM_001345991.2); c.1606G>A, p.Gly536Arg (NM_001289051.2, NM_001345986.2); c.1474G>A, p.Gly492Arg (NM_001289052.2); c.1582G>A, p.Gly528Arg (NM_001345987.2); c.844G>A, p.Gly282Arg (NM_001345988.2); c.775G>A, p.Gly259Arg (NM_001345994.2); c.1849G>A, p.Gly617Arg (NM_017733.5); short protein forms G492R, G528R, G114R, G259R, G282R, G617R, G536R, G625R.
Identifiers: ClinVar variation 1439150 (VCV001439150.4), dbSNP rs374509382, ClinGen allele CA2793471.

ClinVar aggregate classification (germline): Uncertain significance (1 of 4 stars; one submission).

Conditions:
Intellectual disability, autosomal recessive 53 (NEDHSCA). Also called: Mental retardation, autosomal recessive 53; GLYCOSYLPHOSPHATIDYLINOSITOL BIOSYNTHESIS DEFECT 13; NEURODEVELOPMENTAL DISORDER WITH OR WITHOUT HYPOTONIA, SEIZURES, AND CEREBELLAR ATROPHY. Identifiers: Orphanet 488635, MedGen C4310794, MONDO:0014832, OMIM 616917.

Allele frequency attached by ClinVar (database versions not stated): gnomAD 0.00001; gnomAD exomes 0.00001 and 0.00003; TOPMed 0.00001; ExAC 0.00002; ESP Exome Variant Server 0.00008.
gnomAD v4.1: 14 of 1,614,102 alleles (0.00087%); highest among the groups gnomAD compares: Admixed American, 0.0033%; no homozygotes.

Submission:

Labcorp Genetics (formerly Invitae), Labcorp
Classification: Uncertain significance for Intellectual disability, autosomal recessive 53. Last evaluated: 2022-07-19. Review status: criteria provided, single submitter. Criteria: Invitae Variant Classification Sherloc (09022015). Collection method: clinical testing. Allele origin: germline.
Comment: In summary, the available evidence is currently insufficient to determine the role of this variant in disease. Therefore, it has been classified as a Variant of Uncertain Significance. Algorithms developed to predict the effect of missense changes on protein structure and function output the following: SIFT: "Tolerated"; PolyPhen-2: "Benign"; Align-GVGD: "Class C0". The arginine amino acid residue is found in multiple mammalian species, which suggests that this missense change does not adversely affect protein function. ClinVar contains an entry for this variant (Variation ID: 1439150). This variant has not been reported in the literature in individuals affected with PIGG-related conditions. This variant is present in population databases (rs374509382, gnomAD 0.004%). This sequence change replaces glycine, which is neutral and non-polar, with arginine, which is basic and polar, at codon 625 of the PIGG protein (p.Gly625Arg).